The following is an entry in ClinVar:

ClinVar aggregate classification (germline): Uncertain significance (1 of 4 stars; one submission).

Conditions:
Congenital disorder of glycosylation type 1E (CDG1E). Also called: CONGENITAL DISORDER OF GLYCOSYLATION, TYPE Ie; CDG Ie. Identifiers: Orphanet 79322, MedGen C1837396, MONDO:0012123, OMIM 608799.

Allele frequency attached by ClinVar (database versions not stated): gnomAD exomes below 0.00001.
gnomAD v4.1: 2 of 1,611,036 alleles (0.00012%); highest among the groups gnomAD compares: Non-Finnish European, 0.00017%; no homozygotes.

Submission:

Labcorp Genetics (formerly Invitae), Labcorp
Classification: Uncertain significance for Congenital disorder of glycosylation type 1E. Last evaluated: 2022-03-23. Review status: criteria provided, single submitter. Criteria: Invitae Variant Classification Sherloc (09022015). Collection method: clinical testing. Allele origin: germline.
Comment: This sequence change replaces aspartic acid, which is acidic and polar, with glycine, which is neutral and non-polar, at codon 85 of the DPM1 protein (p.Asp85Gly). The frequency data for this variant in the population databases is considered unreliable, as metrics indicate poor data quality at this position in the gnomAD database. This variant has not been reported in the literature in individuals affected with DPM1-related conditions. ClinVar contains an entry for this variant (Variation ID: 533133). Algorithms developed to predict the effect of missense changes on protein structure and function (SIFT, PolyPhen-2, Align-GVGD) all suggest that this variant is likely to be tolerated. In summary, the available evidence is currently insufficient to determine the role of this variant in disease. Therefore, it has been classified as a Variant of Uncertain Significance.

NM_003859.3(DPM1):c.254A>G (p.Asp85Gly)

Gene: DPM1 (dolichyl-phosphate mannosyltransferase subunit 1, catalytic; minus strand). Cytogenetic location: 20q13.13.
Variant type: single nucleotide variant.
Coding change: c.254A>G on transcript NM_003859.3 (MANE Select); coding-DNA position 254, A replaced by G.
Protein change: p.Asp85Gly; replaces aspartic acid 85 with glycine.
Molecular consequence: missense variant. On other transcripts: non-coding transcript variant (1).
Genome position (GRCh38, 1-based): chr20:50,955,193, T>C on the plus strand (A>G on the coding strand, the complement: DPM1 is on the minus strand). VCF-style: chr20-50955193-T-C. GRCh37 (hg19) VCF-style: chr20-49571730-T-C.
Other names: c.254A>G, p.Asp85Gly (NM_001317034.1, NM_001317035.1, NM_001317036.1); short protein forms D85G.
Identifiers: ClinVar variation 533133 (VCV000533133.8), dbSNP rs1364834319, ClinGen allele CA408978592.